The following is an entry in ClinVar:

NM_003803.4(MYOM1):c.929+3A>G

Gene: MYOM1 (myomesin 1; minus strand). Cytogenetic location: 18p11.31.
Variant type: single nucleotide variant.
Coding change: c.929+3A>G on transcript NM_003803.4 (MANE Select); 3 bases into the intron after coding-DNA position 929, A replaced by G.
Molecular consequence: intron variant.
Genome position (GRCh38, 1-based): chr18:3,187,477, T>C on the plus strand (A>G on the coding strand, the complement: MYOM1 is on the minus strand). VCF-style: chr18-3187477-T-C. GRCh37 (hg19) VCF-style: chr18-3187475-T-C.
Other names: c.929+3A>G (NM_019856.2).
Identifiers: ClinVar variation 2728095 (VCV002728095.3), dbSNP rs773242505, ClinGen allele CA8875129.

ClinVar aggregate classification (germline): Uncertain significance (1 of 4 stars; one submission).

Conditions:
Hypertrophic cardiomyopathy. Also called: HYPERTROPHIC MYOCARDIOPATHY. Identifiers: Orphanet 217569, MedGen C0007194, MeSH D002312, MONDO:0005045, HP:0001639.

Allele frequency attached by ClinVar (database versions not stated): ExAC 0.00002; gnomAD exomes 0.00002; TOPMed 0.00002; gnomAD 0.00003.
gnomAD v4.1: 31 of 1,612,632 alleles (0.0019%); highest among the groups gnomAD compares: South Asian, 0.011%; 1 homozygote.

Submission:

Labcorp Genetics (formerly Invitae), Labcorp
Classification: Uncertain significance for Hypertrophic cardiomyopathy. Last evaluated: 2025-03-23. Review status: criteria provided, single submitter. Criteria: Invitae Variant Classification Sherloc (09022015). Collection method: clinical testing. Allele origin: germline.
Comment: This sequence change falls in intron 5 of the MYOM1 gene. It does not directly change the encoded amino acid sequence of the MYOM1 protein. It affects a nucleotide within the consensus splice site. This variant is present in population databases (rs773242505, gnomAD 0.01%). This variant has not been reported in the literature in individuals affected with MYOM1-related conditions. ClinVar contains an entry for this variant (Variation ID: 2728095). Variants that disrupt the consensus splice site are a relatively common cause of aberrant splicing (PMID: 17576681, 9536098). Algorithms developed to predict the effect of sequence changes on RNA splicing suggest that this variant may disrupt the consensus splice site. In summary, the available evidence is currently insufficient to determine the role of this variant in disease. Therefore, it has been classified as a Variant of Uncertain Significance.

Literature cited by the submitters: PubMed 17576681; PubMed 9536098.